The following is an entry in ClinVar:

ClinVar aggregate classification (germline): Uncertain significance (1 of 4 stars; one submission).

Conditions:
Inborn genetic diseases. Identifiers: MedGen C0950123, MeSH D030342.

Submission:

Ambry Genetics
Classification: Uncertain significance for Inborn genetic diseases. Last evaluated: 2021-05-28. Review status: criteria provided, single submitter. Criteria: Ambry Variant Classification Scheme 2023. Collection method: clinical testing. Allele origin: germline.
Comment: The p.M1135I variant (also known as c.3405G>A), located in coding exon 17 of the SCN9A gene, results from a G to A substitution at nucleotide position 3405. The methionine at codon 1135 is replaced by isoleucine, an amino acid with highly similar properties. This amino acid position is poorly conserved in available vertebrate species. In addition, this alteration is predicted to be tolerated by in silico analysis. Since supporting evidence is limited at this time, the clinical significance of this alteration remains unclear.

NM_001365536.1(SCN9A):c.3438G>A (p.Met1146Ile)

Genes: SCN1A-AS1 (SCN1A and SCN9A antisense RNA 1; plus strand), SCN9A (sodium voltage-gated channel alpha subunit 9; minus strand). Cytogenetic location: 2q24.3.
Variant type: single nucleotide variant.
Coding change: c.3438G>A on transcript NM_001365536.1 (MANE Select); coding-DNA position 3438, G replaced by A.
Protein change: p.Met1146Ile; replaces methionine 1146 with isoleucine.
Molecular consequence: missense variant. On other transcripts: non-coding transcript variant (1).
Genome position (GRCh38, 1-based): chr2:166,251,799, C>T on the plus strand (G>A on the coding strand, the complement: SCN9A is on the minus strand). VCF-style: chr2-166251799-C-T. GRCh37 (hg19) VCF-style: chr2-167108309-C-T.
Other names: c.3405G>A, p.Met1135Ile (NM_002977.4); short protein forms M1146I, M1135I.
Identifiers: ClinVar variation 1731121 (VCV001731121.2), dbSNP rs2467903979, ClinGen allele CA349071874.